The following is an entry in ClinVar:

NM_014795.4(ZEB2):c.100A>G (p.Thr34Ala)

Gene: ZEB2 (zinc finger E-box binding homeobox 2; minus strand). Cytogenetic location: 2q22.3.
Variant type: single nucleotide variant.
Coding change: c.100A>G on transcript NM_014795.4 (MANE Select); coding-DNA position 100, A replaced by G.
Protein change: p.Thr34Ala; replaces threonine 34 with alanine.
Molecular consequence: missense variant.
Genome position (GRCh38, 1-based): chr2:144,430,000, T>C on the plus strand (A>G on the coding strand, the complement: ZEB2 is on the minus strand). VCF-style: chr2-144430000-T-C. GRCh37 (hg19) VCF-style: chr2-145187567-T-C.
Other names: c.100A>G, p.Thr34Ala (NM_001171653.2); short protein forms T34A.
Identifiers: ClinVar variation 4761401 (VCV004761401.1).
Genomic context (GRCh38, chr2:144,430,000, plus strand): 5'-TGGCAATACCGTCATCCTCAGCAATATGAAGCTTGTCTTCCTCATCTGTTTCAGAACCTG[T>C]GTCCACTACATTGTCATAGTTCACCACTGCAGAAGAAGCACAAAACACACTCTCTAAACA-3'
Protein context (NP_055610.1, residues 24-44): NVVNYDNVVD[Thr34Ala]GSETDEEDKL

ClinVar aggregate classification (germline): Uncertain significance (1 of 4 stars; one submission).

Conditions:
Mowat-Wilson syndrome (MOWS). Also called: Classic Mowat-Wilson Syndrome. Identifiers: Orphanet 2152, MedGen C1856113, MONDO:0009341, OMIM 235730.

Submission:

Labcorp Genetics (formerly Invitae), Labcorp
Classification: Uncertain significance for Mowat-Wilson syndrome. Last evaluated: 2025-06-12. Review status: criteria provided, single submitter. Criteria: Invitae Variant Classification Sherloc (09022015). Collection method: clinical testing. Allele origin: germline.
Comment: This sequence change replaces threonine, which is neutral and polar, with alanine, which is neutral and non-polar, at codon 34 of the ZEB2 protein (p.Thr34Ala). This variant is not present in population databases (gnomAD no frequency). This variant has not been reported in the literature in individuals affected with ZEB2-related conditions. Invitae Evidence Modeling of protein sequence and biophysical properties (such as structural, functional, and spatial information, amino acid conservation, physicochemical variation, residue mobility, and thermodynamic stability) indicates that this missense variant is not expected to disrupt ZEB2 protein function with a negative predictive value of 80%. In summary, the available evidence is currently insufficient to determine the role of this variant in disease. Therefore, it has been classified as a Variant of Uncertain Significance.